The following is an entry in ClinVar:

NM_004991.4(MECOM):c.2861G>C (p.Cys954Ser)

Gene: MECOM (MDS1 and EVI1 complex locus; minus strand). Cytogenetic location: 3q26.2.
Variant type: single nucleotide variant.
Coding change: c.2861G>C on transcript NM_004991.4 (MANE Select); coding-DNA position 2861, G replaced by C.
Protein change: p.Cys954Ser; replaces cysteine 954 with serine.
Molecular consequence: missense variant.
Genome position (GRCh38, 1-based): chr3:169,095,234, C>G on the plus strand (G>C on the coding strand, the complement: MECOM is on the minus strand). VCF-style: chr3-169095234-C-G. GRCh37 (hg19) VCF-style: chr3-168813022-C-G.
Other names: c.2492G>C, p.Cys831Ser (NM_001105077.4); c.2297G>C, p.Cys766Ser (NM_001105078.4, NM_001205194.2, NM_001366469.2 and 1 more transcripts); c.2273G>C, p.Cys758Ser (NM_001163999.2, NM_001366470.2); c.2270G>C, p.Cys757Ser (NM_001164000.2, NM_001366471.2, NM_001366472.2); c.2834G>C, p.Cys945Ser (NM_001366466.2); c.2300G>C, p.Cys767Ser (NM_001366467.2, NM_001366468.2); c.1862G>C, p.Cys621Ser (NM_001366473.2); c.1298G>C, p.Cys433Ser (NM_001366474.2); short protein forms C433S, C621S, C757S, C758S, C766S, C767S, C831S, C945S.
Identifiers: ClinVar variation 2664376 (VCV002664376.1), dbSNP rs2549200429, ClinGen allele CA355074584.

ClinVar aggregate classification (germline): Pathogenic (1 of 4 stars; one submission).

Conditions:
Hereditary cancer-predisposing syndrome. Also called: Tumor predisposition; Hereditary neoplastic syndrome; Neoplastic Syndromes, Hereditary; Hereditary Cancer Syndrome. Identifiers: Orphanet 140162, MedGen C0027672, MeSH D009386, MONDO:0015356.

Submission:

Hauer Lab, Department Of Pediatric Oncology, Technical University Munich
Classification: Pathogenic for Hereditary cancer-predisposing syndrome. Review status: criteria provided, single submitter. Criteria: ACMG Guidelines, 2015. Collection method: research. Allele origin: germline. Inheritance: Autosomal dominant inheritance. Affected: yes. Observed: 1 variant allele.
Comment: ACMG/AMP, PVS1, PM2, PP5

Literature cited by the submitters: PubMed 37149759.